The following is an entry in ClinVar:

NM_001371623.1(TCOF1):c.871-3C>T

Gene: TCOF1 (treacle ribosome biogenesis factor 1; plus strand). Cytogenetic location: 5q32.
Variant type: single nucleotide variant.
Coding change: c.871-3C>T on transcript NM_001371623.1 (MANE Select); 3 bases into the intron before coding-DNA position 871, C replaced by T.
Molecular consequence: intron variant.
Genome position (GRCh38, 1-based): chr5:150,374,171, C>T. VCF-style: chr5-150374171-C-T. GRCh37 (hg19) VCF-style: chr5-149753734-C-T.
Other names: c.871-3C>T (NM_001135243.2, NM_001135244.2, NM_001195141.2 and 1 more transcripts); c.640-3C>T (NM_001437406.1, NM_001135245.2, NM_000356.4).
Identifiers: ClinVar variation 4076250 (VCV004076250.1).

ClinVar aggregate classification (germline): Uncertain significance (1 of 4 stars; one submission).

Conditions:
Treacher Collins syndrome 1 (TCS1). Also called: TCOF1-Related Treacher Collins Syndrome. Identifiers: Orphanet 861, MedGen CN315775, MONDO:0007944, OMIM 154500.

Submission:

Laboratorio de Genetica e Diagnostico Molecular, Hospital Israelita Albert Einstein
Classification: Uncertain significance for Treacher Collins syndrome 1. Last evaluated: 2024-09-06. Review status: criteria provided, single submitter. Criteria: ACMG Guidelines, 2015. Collection method: clinical testing. Allele origin: germline. Affected: yes.
Comment: ACMG classification criteria: PM2 supporting, PP3 supporting